The following is an entry in ClinVar:

NM_000277.3(PAH):c.451G>A (p.Asp151Asn)

Gene: PAH (phenylalanine hydroxylase; minus strand). Cytogenetic location: 12q23.2.
Variant type: single nucleotide variant.
Coding change: c.451G>A on transcript NM_000277.3 (MANE Select); coding-DNA position 451, G replaced by A.
Protein change: p.Asp151Asn; replaces aspartic acid 151 with asparagine.
Molecular consequence: missense variant.
Genome position (GRCh38, 1-based): chr12:102,866,654, C>T on the plus strand (G>A on the coding strand, the complement: PAH is on the minus strand). VCF-style: chr12-102866654-C-T. GRCh37 (hg19) VCF-style: chr12-103260432-C-T.
Other names: c.451G>A, p.Asp151Asn (NM_001354304.2); short protein forms D151N.
Identifiers: ClinVar variation 4818092 (VCV004818092.1).

ClinVar aggregate classification (germline): Likely pathogenic (1 of 4 stars; one submission).

Conditions:
Phenylketonuria (PKU). Also called: FOLLING DISEASE; OLIGOPHRENIA PHENYLPYRUVICA; Phenylketonurias; Phenylketonuria (PKU). Identifiers: Orphanet 716, MedGen C0031485, MONDO:0009861, OMIM 261600. Disease mechanism: loss of function.

Submission:

Natera, Inc.
Classification: Likely pathogenic for Phenylketonuria. Last evaluated: 2024-09-30. Review status: criteria provided, single submitter. Criteria: Natera Variant Classification Schema (03/2026). Collection method: clinical testing. Allele origin: germline.
Comment: The c.451G>A variant in PAH is a missense variant predicted to cause substitution of aspartic acid to asparagine at amino acid 151. This variant is rare in the general population with a frequency below the threshold expected for the associated phenotype(s). This variant has been observed in one or more individuals affected with the associated recessive disease, as either homozygous or compound heterozygous with a second variant (PMID: 35952926). This variant has been identified in one or more affected individual with a phenotype highly consistent with the associated gene (PMID: 35952926). Computational prediction algorithms indicate this variant is likely to affect gene or protein function. Given the available evidence, this variant is classified as Likely Pathogenic.

Literature cited by the submitters: PubMed 35952926.